The following is an entry in ClinVar:

ClinVar aggregate classification (germline): Uncertain significance. Review status: criteria provided, multiple submitters, no conflicts (2 of 4 stars). 2 submissions from 2 submitters: Uncertain significance (2). Last evaluated 2025-09-24.

Conditions:
Cognitive impairment - coarse facies - heart defects - obesity - pulmonary involvement - short stature - skeletal dysplasia syndrome. Also called: COGNITIVE IMPAIRMENT, COARSE FACIES, HEART DEFECTS, OBESITY, PULMONARY INVOLVEMENT, SHORT STATURE, AND SKELETAL DYSPLASIA; Chops syndrome; AFF4-Related CHOPS Syndrome. Identifiers: Orphanet 444077, MedGen C4085597, MONDO:0014609, OMIM 616368.
AFF4-related disorder. Also called: AFF4-related condition.

Allele frequency attached by ClinVar (database versions not stated): gnomAD exomes below 0.00001; ExAC 0.00001; gnomAD 0.00001; 1000 Genomes Project 30x 0.00016; 1000 Genomes Project 0.00020.
gnomAD v4.1: 7 of 1,614,138 alleles (0.00043%); highest among the groups gnomAD compares: Non-Finnish European, 0.00059%; no homozygotes.

Submissions (2):

PreventionGenetics, part of Exact Sciences
Classification: Uncertain significance for AFF4-related condition. Last evaluated: 2025-09-24. Review status: criteria provided, single submitter. Criteria: ACMG Guidelines, 2015. Collection method: clinical testing. Allele origin: germline.
Comment: The AFF4 c.2507G>A variant is predicted to result in the amino acid substitution p.Ser836Asn. To our knowledge, this variant has not been reported in the literature. This variant is reported in 0.00088% of alleles in individuals of European (Non-Finnish) descent in gnomAD. At this time, the clinical significance of this variant is uncertain due to the absence of conclusive functional and genetic evidence.

Labcorp Genetics (formerly Invitae), Labcorp
Classification: Uncertain significance for Cognitive impairment - coarse facies - heart defects - obesity - pulmonary involvement - short stature - skeletal dysplasia syndrome. Last evaluated: 2022-08-06. Review status: criteria provided, single submitter. Criteria: Invitae Variant Classification Sherloc (09022015). Collection method: clinical testing. Allele origin: germline.
Comment: Algorithms developed to predict the effect of missense changes on protein structure and function are either unavailable or do not agree on the potential impact of this missense change (SIFT: "Tolerated"; PolyPhen-2: "Probably Damaging"; Align-GVGD: "Class C0"). In summary, the available evidence is currently insufficient to determine the role of this variant in disease. Therefore, it has been classified as a Variant of Uncertain Significance. Algorithms developed to predict the effect of sequence changes on RNA splicing suggest that this variant may create or strengthen a splice site. This variant has not been reported in the literature in individuals affected with AFF4-related conditions. This variant is present in population databases (rs554369321, gnomAD 0.0009%). This sequence change replaces serine, which is neutral and polar, with asparagine, which is neutral and polar, at codon 836 of the AFF4 protein (p.Ser836Asn).

NM_014423.4(AFF4):c.2507G>A (p.Ser836Asn)

Gene: AFF4 (ALF transcription elongation factor 4; minus strand). Cytogenetic location: 5q31.1.
Variant type: single nucleotide variant.
Coding change: c.2507G>A on transcript NM_014423.4 (MANE Select); coding-DNA position 2507, G replaced by A.
Protein change: p.Ser836Asn; replaces serine 836 with asparagine.
Molecular consequence: missense variant.
Genome position (GRCh38, 1-based): chr5:132,892,294, C>T on the plus strand (G>A on the coding strand, the complement: AFF4 is on the minus strand). VCF-style: chr5-132892294-C-T. GRCh37 (hg19) VCF-style: chr5-132227986-C-T.
Other names: c.2507G>A (NM_014423.3); short protein forms S836N.
Identifiers: ClinVar variation 2199802 (VCV002199802.5), dbSNP rs554369321, ClinGen allele CA3408910.